The following is an entry in ClinVar:

NM_001267550.2(TTN):c.100297G>A (p.Glu33433Lys)

Genes: TTN (titin; minus strand), TTN-AS1 (TTN antisense RNA 1; plus strand), LOC126806420 (BRD4-independent group 4 enhancer GRCh37_chr2:179401104-179402303; plus strand). Cytogenetic location: 2q31.2.
Variant type: single nucleotide variant.
Coding change: c.100297G>A on transcript NM_001267550.2 (MANE Select); coding-DNA position 100297, G replaced by A.
Protein change: p.Glu33433Lys; replaces glutamic acid 33433 with lysine.
Molecular consequence: missense variant.
Genome position (GRCh38, 1-based): chr2:178,536,450, C>T on the plus strand (G>A on the coding strand, the complement: TTN is on the minus strand). VCF-style: chr2-178536450-C-T. GRCh37 (hg19) VCF-style: chr2-179401177-C-T.
Other names: c.95374G>A, p.Glu31792Lys (NM_001256850.1); c.73102G>A, p.Glu24368Lys (NM_003319.4); c.92593G>A, p.Glu30865Lys (NM_133378.4); c.73477G>A, p.Glu24493Lys (NM_133432.3); c.73678G>A, p.Glu24560Lys (NM_133437.4); short protein forms E24368K, E24493K, E24560K, E30865K, E31792K, E33433K.
Identifiers: ClinVar variation 4072614 (VCV004072614.1).
Genomic context (GRCh38, chr2:178,536,450, plus strand): 5'-AAAAGACAGTTTCTCGAATTTCTTCTGTTGTCACAGAAATCCATTTATTCTGCTTCTTCT[C>T]ACGCTTCTCAAGGTAGTAATTTCTAATCTTTGCACCTCCATCACTGGCAGGTGGCTTCCA-3'
Protein context (NP_001254479.2, residues 33423-33443): KIRNYYLEKR[Glu33433Lys]KKQNKWISVT

ClinVar aggregate classification (germline): Uncertain significance (1 of 4 stars; one submission).

Submission:

GeneDx
Classification: Uncertain significance. Last evaluated: 2025-01-30. Review status: criteria provided, single submitter. Criteria: GeneDx Variant Classification Process June 2021. Collection method: clinical testing. Allele origin: germline. Affected: yes.
Comment: Not observed at significant frequency in large population cohorts (gnomAD); Missense variant in a gene in which most reported pathogenic variants are truncating/loss of function; Has not been previously published as pathogenic or benign to our knowledge